The following is an entry in ClinVar:

NM_020911.2(PLXNA4):c.2081G>C (p.Arg694Pro)

Gene: PLXNA4 (plexin A4; minus strand). Cytogenetic location: 7q32.3.
Variant type: single nucleotide variant.
Coding change: c.2081G>C on transcript NM_020911.2 (MANE Select); coding-DNA position 2081, G replaced by C.
Protein change: p.Arg694Pro; replaces arginine 694 with proline.
Molecular consequence: missense variant.
Genome position (GRCh38, 1-based): chr7:132,223,543, C>G on the plus strand (G>C on the coding strand, the complement: PLXNA4 is on the minus strand). VCF-style: chr7-132223543-C-G. GRCh37 (hg19) VCF-style: chr7-131908302-C-G.
Other names: c.2081G>C, p.Arg694Pro (NM_001393897.1); short protein forms R694P.
Identifiers: ClinVar variation 3357408 (VCV003357408.1).

ClinVar aggregate classification (germline): Uncertain significance (0 of 4 stars; one submission).

Conditions:
PLXNA4-related disorder. Also called: PLXNA4-related condition.

gnomAD v4.1: 1 of 1,612,956 alleles (0.000062%); highest among the groups gnomAD compares: African/African-American, 0.0013%; no homozygotes.

Submission:

PreventionGenetics, part of Exact Sciences
Classification: Uncertain significance for PLXNA4-related condition. Last evaluated: 2024-02-07. Review status: no assertion criteria provided. Collection method: clinical testing. Allele origin: germline.
Comment: The PLXNA4 c.2081G>C variant is predicted to result in the amino acid substitution p.Arg694Pro. To our knowledge, this variant has not been reported in the literature. It is documented in a single heterozygous individual of unknown phenotype in the gnomAD database. At this time, the clinical significance of this variant is uncertain due to the absence of conclusive functional and genetic evidence.